The following is an entry in ClinVar:

ClinVar aggregate classification (germline): Uncertain significance (1 of 4 stars; one submission).

Submission:

Labcorp Genetics (formerly Invitae), Labcorp
Classification: Uncertain significance. Last evaluated: 2024-11-11. Review status: criteria provided, single submitter. Criteria: Invitae Variant Classification Sherloc (09022015). Collection method: clinical testing. Allele origin: germline.
Comment: This sequence change replaces asparagine, which is neutral and polar, with serine, which is neutral and polar, at codon 181 of the CACNA1E protein (p.Asn181Ser). This variant is not present in population databases (gnomAD no frequency). This variant has not been reported in the literature in individuals affected with CACNA1E-related conditions. ClinVar contains an entry for this variant (Variation ID: 1978413). Invitae Evidence Modeling of protein sequence and biophysical properties (such as structural, functional, and spatial information, amino acid conservation, physicochemical variation, residue mobility, and thermodynamic stability) has been performed for this missense variant. However, the output from this modeling did not meet the statistical confidence thresholds required to predict the impact of this variant on CACNA1E protein function. In summary, the available evidence is currently insufficient to determine the role of this variant in disease. Therefore, it has been classified as a Variant of Uncertain Significance.

NM_001205293.3(CACNA1E):c.542A>G (p.Asn181Ser)

Gene: CACNA1E (calcium voltage-gated channel subunit alpha1 E; plus strand). Cytogenetic location: 1q25.3.
Variant type: single nucleotide variant.
Coding change: c.542A>G on transcript NM_001205293.3 (MANE Select); coding-DNA position 542, A replaced by G.
Protein change: p.Asn181Ser; replaces asparagine 181 with serine.
Molecular consequence: missense variant.
Genome position (GRCh38, 1-based): chr1:181,577,795, A>G. VCF-style: chr1-181577795-A-G. GRCh37 (hg19) VCF-style: chr1-181546931-A-G.
Other names: c.542A>G, p.Asn181Ser (NM_000721.4, NM_001205294.2); short protein forms N181S.
Identifiers: ClinVar variation 1978413 (VCV001978413.4), dbSNP rs2527303119, ClinGen allele CA343846744.